The following is an entry in ClinVar:

ClinVar aggregate classification (germline): Uncertain significance (1 of 4 stars; one submission).

Submission:

Labcorp Genetics (formerly Invitae), Labcorp
Classification: Uncertain significance. Last evaluated: 2025-03-24. Review status: criteria provided, single submitter. Criteria: Invitae Variant Classification Sherloc (09022015). Collection method: clinical testing. Allele origin: germline.
Comment: This sequence change replaces lysine, which is basic and polar, with arginine, which is basic and polar, at codon 792 of the COL11A2 protein (p.Lys792Arg). This variant is not present in population databases (gnomAD no frequency). This variant has not been reported in the literature in individuals affected with COL11A2-related conditions. An algorithm developed to predict the effect of missense changes on protein structure and function (PolyPhen-2) suggests that this variant is likely to be disruptive. Algorithms developed to predict the effect of sequence changes on RNA splicing suggest that this variant may disrupt the consensus splice site. In summary, the available evidence is currently insufficient to determine the role of this variant in disease. Therefore, it has been classified as a Variant of Uncertain Significance.

NM_080680.3(COL11A2):c.2375A>G (p.Lys792Arg)

Gene: COL11A2 (collagen type XI alpha 2 chain; minus strand). Cytogenetic location: 6p21.32.
Variant type: single nucleotide variant.
Coding change: c.2375A>G on transcript NM_080680.3 (MANE Select); coding-DNA position 2375, A replaced by G.
Protein change: p.Lys792Arg; replaces lysine 792 with arginine.
Molecular consequence: missense variant.
Genome position (GRCh38, 1-based): chr6:33,175,575, T>C on the plus strand (A>G on the coding strand, the complement: COL11A2 is on the minus strand). VCF-style: chr6-33175575-T-C. GRCh37 (hg19) VCF-style: chr6-33143352-T-C.
Other names: c.2195A>G, p.Lys732Arg (NM_001424108.1); c.1529A>G, p.Lys510Arg (NM_001424109.1); c.1349A>G, p.Lys450Arg (NM_001424110.1, NM_001424111.1); c.329A>G, p.Lys110Arg (NM_001424112.1); c.2054A>G, p.Lys685Arg (NM_080679.3); c.2117A>G, p.Lys706Arg (NM_080681.3); short protein forms K450R, K110R, K510R, K732R, K685R, K706R, K792R.
Identifiers: ClinVar variation 4749529 (VCV004749529.1).